The following is an entry in ClinVar:

ClinVar aggregate classification (germline): Uncertain significance. Review status: criteria provided, multiple submitters, no conflicts (2 of 4 stars). 7 submissions from 6 submitters: Uncertain significance (7). Last evaluated 2025-05-19.

Conditions:
USH2A-related disorder. Also called: USH2A-related condition; USH2A-related disorders. Identifiers: MedGen CN239332.
Usher syndrome type 2A. Also called: RETINAL DISEASE IN USHER SYNDROME TYPE IIA, MODIFIER OF; USHER SYNDROME, TYPE IIA. Identifiers: Orphanet 231178, Orphanet 886, MedGen C1848634, MONDO:0010169, OMIM 276901.
Retinitis pigmentosa 39 (RP39). Identifiers: Orphanet 791, MedGen C3151138, MONDO:0013436, OMIM 613809.

Allele frequency attached by ClinVar (database versions not stated): gnomAD exomes 0.00003 and 0.00008; gnomAD 0.00005 and 0.00007; TOPMed 0.00005; ExAC 0.00006; ESP Exome Variant Server 0.00008; 1000 Genomes Project 30x 0.00031; 1000 Genomes Project 0.00040.
gnomAD v4.1: 58 of 1,614,046 alleles (0.0036%); highest among the groups gnomAD compares: East Asian, 0.033%; no homozygotes.

Submissions (7):

PreventionGenetics, part of Exact Sciences
Classification: Uncertain significance for USH2A-related condition. Last evaluated: 2025-05-19. Review status: criteria provided, single submitter. Criteria: ACMG Guidelines, 2015. Collection method: clinical testing. Allele origin: germline.
Comment: The USH2A c.2792G>A variant is predicted to result in the amino acid substitution p.Cys931Tyr. This variant has been reported as a variant of uncertain significance in a cohort study of families with retinitis pigmentosa (Xu et al. 2014. PubMed ID: 24938718). This variant has also been reported in the heterozygous state in multiple members of a family with non-syndromic retinitis pigmentosa; however, these individuals also harbored the variant c.14017T>C (p.Tyr4673His) on the same allele of USH2A and no variant was found on the opposite allele (Chen et al. 2020. PubMed ID: 32893482). This variant is reported in 0.065% of alleles in individuals of East Asian descent in gnomAD. At this time, the clinical significance of this variant is uncertain due to the absence of conclusive functional and genetic evidence.

GeneDx
Classification: Uncertain significance. Last evaluated: 2024-12-03. Review status: criteria provided, single submitter. Criteria: GeneDx Variant Classification Process June 2021. Collection method: clinical testing. Allele origin: germline. Affected: yes.
Comment: Identified in a patient with retinitis pigmentosa in published literature (Xu et al., 2014); In silico analysis supports that this missense variant has a deleterious effect on protein structure/function; This variant is associated with the following publications: (PMID: 24938718, 32893482, 32675063, 34368859)

Women's Health and Genetics/Laboratory Corporation of America, LabCorp
Classification: Uncertain significance. Last evaluated: 2023-12-13. Review status: criteria provided, single submitter. Criteria: LabCorp Variant Classification Summary - May 2015. Collection method: clinical testing. Allele origin: germline.
Comment: Variant summary: USH2A c.2792G>A (p.Cys931Tyr) results in a non-conservative amino acid change located in the Laminin-type EGF domain (IPR002049) of the encoded protein sequence. Five of five in-silico tools predict a damaging effect of the variant on protein function. The variant allele was found at a frequency of 8.4e-05 in 251092 control chromosomes (gnomAD). This frequency is not significantly higher than estimated for a pathogenic variant in USH2A causing Usher Syndrome (8.4e-05 vs 0.011), allowing no conclusion about variant significance. c.2792G>A has been reported in the literature in individuals affected with retinitis pigmentosa without strong evidence of causality (Xu_2014, Wang_2019, Chen_2020, Zhu_2021). These reports do not provide unequivocal conclusions about association of the variant with Usher Syndrome. To our knowledge, no experimental evidence demonstrating an impact on protein function has been reported. The following publications have been ascertained in the context of this evaluation (PMID: 24938718, 31106028, 32893482, 32675063). Two submitters have cited clinical-significance assessments for this variant to ClinVar after 2014. Both submitters classified the variant as uncertain significance. Based on the evidence outlined above, the variant was classified as uncertain significance.

Genome-Nilou Lab
Classification: Uncertain significance for Retinitis pigmentosa 39. Last evaluated: 2023-11-04. Review status: criteria provided, single submitter. Criteria: ACMG Guidelines, 2015. Collection method: clinical testing. Allele origin: germline. Affected: no.

Genome-Nilou Lab
Classification: Uncertain significance for Usher syndrome type 2A. Last evaluated: 2023-11-04. Review status: criteria provided, single submitter. Criteria: ACMG Guidelines, 2015. Collection method: clinical testing. Allele origin: germline. Affected: no.

Blueprint Genetics
Classification: Uncertain significance. Last evaluated: 2023-06-05. Review status: criteria provided, single submitter. Criteria: ACMG Guidelines, 2015. Collection method: clinical testing. Allele origin: germline.

Labcorp Genetics (formerly Invitae), Labcorp
Classification: Uncertain significance. Last evaluated: 2022-10-04. Review status: criteria provided, single submitter. Criteria: Invitae Variant Classification Sherloc (09022015). Collection method: clinical testing. Allele origin: germline.
Comment: This sequence change replaces cysteine, which is neutral and slightly polar, with tyrosine, which is neutral and polar, at codon 931 of the USH2A protein (p.Cys931Tyr). This variant is present in population databases (rs145383772, gnomAD 0.06%). This missense change has been observed in individual(s) with clinical features of inherited retinal dystrophy and/or retinitis pigmentosa (PMID: 32675063, 32893482). ClinVar contains an entry for this variant (Variation ID: 1325998). Advanced modeling of protein sequence and biophysical properties (such as structural, functional, and spatial information, amino acid conservation, physicochemical variation, residue mobility, and thermodynamic stability) performed at Invitae indicates that this missense variant is expected to disrupt USH2A protein function. In summary, the available evidence is currently insufficient to determine the role of this variant in disease. Therefore, it has been classified as a Variant of Uncertain Significance.

Literature cited by the submitters: PubMed 31106028 (cited by Women's Health and Genetics/Laboratory Corporation of America, LabCorp); PubMed 24938718 (cited by Women's Health and Genetics/Laboratory Corporation of America, LabCorp); PubMed 32675063 (cited by Women's Health and Genetics/Laboratory Corporation of America, LabCorp and Labcorp Genetics (formerly Invitae), Labcorp); PubMed 32893482 (cited by Women's Health and Genetics/Laboratory Corporation of America, LabCorp and Labcorp Genetics (formerly Invitae), Labcorp).

NM_206933.4(USH2A):c.2792G>A (p.Cys931Tyr)

Genes: USH2A (usherin; minus strand), LOC122152296 (Sharpr-MPRA regulatory region 8762; plus strand). Cytogenetic location: 1q41.
Variant type: single nucleotide variant.
Coding change: c.2792G>A on transcript NM_206933.4 (MANE Select); coding-DNA position 2792, G replaced by A.
Protein change: p.Cys931Tyr; replaces cysteine 931 with tyrosine.
Molecular consequence: missense variant.
Genome position (GRCh38, 1-based): chr1:216,246,602, C>T on the plus strand (G>A on the coding strand, the complement: USH2A is on the minus strand). VCF-style: chr1-216246602-C-T. GRCh37 (hg19) VCF-style: chr1-216419944-C-T.
Other names: c.2792G>A, p.Cys931Tyr (NM_007123.6); short protein forms C931Y.
Identifiers: ClinVar variation 1325998 (VCV001325998.8), dbSNP rs145383772, ClinGen allele CA1396166.